The following is an entry in ClinVar:

NM_001171.6(ABCC6):c.4448C>T (p.Pro1483Leu)

Gene: ABCC6 (ATP binding cassette subfamily C member 6; minus strand). Cytogenetic location: 16p13.11.
Variant type: single nucleotide variant.
Coding change: c.4448C>T on transcript NM_001171.6 (MANE Select); coding-DNA position 4448, C replaced by T.
Protein change: p.Pro1483Leu; replaces proline 1483 with leucine.
Molecular consequence: missense variant. On other transcripts: non-coding transcript variant (1).
Genome position (GRCh38, 1-based): chr16:16,150,197, G>A on the plus strand (C>T on the coding strand, the complement: ABCC6 is on the minus strand). VCF-style: chr16-16150197-G-A. GRCh37 (hg19) VCF-style: chr16-16244054-G-A.
Other names: c.4106C>T, p.Pro1369Leu (NM_001351800.1); short protein forms P1483L, P1369L.
Identifiers: ClinVar variation 433367 (VCV000433367.49), dbSNP rs63750135, ClinGen allele CA7925161.
Genomic context (GRCh38, chr16:16,150,197, plus strand): 5'-ACCAGGCCTGACTCCTGGGCCAGTCTGTAAAACAGGCCCTTCTGGGCCAGCAGCTGGGCC[G>A]GGCTGCCGCTCTCTGCCACCTGCCCCTTGTCCATGACCAGAACCCTGTGGGGGAGAGGGA-3'
Protein context (NP_001162.5, residues 1473-1493): DKGQVAESGS[Pro1483Leu]AQLLAQKGLF

ClinVar aggregate classification (germline): Uncertain significance. Review status: criteria provided, multiple submitters, no conflicts (2 of 4 stars). 7 submissions from 7 submitters: Uncertain significance (6). 1 of the submissions does not count toward it. Last evaluated 2024-02-28.

Conditions:
ABCC6-related disorder. Also called: ABCC6-related condition.
Autosomal recessive inherited pseudoxanthoma elasticum (PXE). Identifiers: Orphanet 758, MedGen CN032334, MONDO:0009925, OMIM 264800.
Pseudoxanthoma elasticum, forme fruste. Also called: Pseudoxanthoma Elasticum, Incomplete; PSEUDOXANTHOMA ELASTICUM, HETEROZYGOUS. Identifiers: Orphanet 758, MedGen C1867450, MONDO:0008333, OMIM 177850.
Arterial calcification, generalized, of infancy, 2. Identifiers: Orphanet 51608, MedGen C3276161, MONDO:0013768, OMIM 614473.

Allele frequency attached by ClinVar (database versions not stated): TOPMed 0.00004; ESP Exome Variant Server 0.00008; ExAC 0.00010; 1000 Genomes Project 0.00040; 1000 Genomes Project 30x 0.00047.
gnomAD v4.1: 79 of 1,613,704 alleles (0.0049%); highest among the groups gnomAD compares: Middle Eastern, 0.084%; no homozygotes.

Submissions (7):

Blueprint Genetics
Classification: Uncertain significance. Last evaluated: 2024-02-28. Review status: criteria provided, single submitter. Criteria: ACMG Guidelines, 2015. Collection method: clinical testing. Allele origin: germline.

Fulgent Genetics
Classification: Uncertain significance for Pseudoxanthoma elasticum, forme fruste; Autosomal recessive inherited pseudoxanthoma elasticum; Arterial calcification, generalized, of infancy, 2. Last evaluated: 2024-01-08. Review status: criteria provided, single submitter. Criteria: ACMG Guidelines, 2015. Collection method: clinical testing. Allele origin: germline.

PreventionGenetics, part of Exact Sciences
Classification: Uncertain significance for ABCC6-related condition. Last evaluated: 2022-11-08. Review status: criteria provided, single submitter. Criteria: ACMG Guidelines, 2015. Collection method: clinical testing. Allele origin: germline.
Comment: The ABCC6 c.4448C>T variant is predicted to result in the amino acid substitution p.Pro1483Leu. This variant has been reported as a variant of uncertain significance in association with autosomal recessive pseudoxanthoma elasticum (Table S2, Legrand et al. 2017. PubMed ID: 28102862; Verschuere et al. 2020. PubMed ID: 32873932). It has also been reported in an individual from a genome sequencing cohort investigating rare disease; however, no clinical details were provided (Table S7, Stranneheim et al. 2021. PubMed ID: 33726816). This variant is reported in 0.013% of alleles in individuals of South Asian descent in gnomAD. At this time, the clinical significance of this variant is uncertain due to the absence of conclusive functional and genetic evidence.

Labcorp Genetics (formerly Invitae), Labcorp
Classification: Uncertain significance. Last evaluated: 2022-07-17. Review status: criteria provided, single submitter. Criteria: Invitae Variant Classification Sherloc (09022015). Collection method: clinical testing. Allele origin: germline.
Comment: This sequence change replaces proline, which is neutral and non-polar, with leucine, which is neutral and non-polar, at codon 1483 of the ABCC6 protein (p.Pro1483Leu). This variant is present in population databases (rs63750135, gnomAD 0.01%). This missense change has been observed in individual(s) with clinical features of pseudoxanthoma elasticum (PMID: 26029710, 28102862). ClinVar contains an entry for this variant (Variation ID: 433367). Algorithms developed to predict the effect of missense changes on protein structure and function are either unavailable or do not agree on the potential impact of this missense change (SIFT: "Tolerated"; PolyPhen-2: "Probably Damaging"; Align-GVGD: "Class C0"). In summary, the available evidence is currently insufficient to determine the role of this variant in disease. Therefore, it has been classified as a Variant of Uncertain Significance.

Clinical Genetics Laboratory, Skane University Hospital Lund
Classification: Uncertain significance. Last evaluated: 2022-05-27. Review status: criteria provided, single submitter. Criteria: ACMG Guidelines, 2015. Collection method: clinical testing. Allele origin: germline. Affected: yes.

CeGaT Center for Human Genetics Tuebingen
Classification: Uncertain significance. Last evaluated: 2020-04-01. Review status: criteria provided, single submitter. Criteria: CeGaT Center For Human Genetics Tuebingen Variant Classification Criteria Version 2. Collection method: clinical testing. Allele origin: germline. Affected: yes. Observed: 1 variant allele.

PXE International
Classification: Uncertain significance for Autosomal recessive inherited pseudoxanthoma elasticum. Last evaluated: 2021-02-16. Review status: no assertion criteria provided. Collection method: research. Allele origin: germline. Inheritance: Autosomal recessive inheritance. Affected: yes. Not counted in ClinVar's aggregate classification.

Literature cited by the submitters: PubMed 26029710 (cited by Labcorp Genetics (formerly Invitae), Labcorp); PubMed 28102862 (cited by Labcorp Genetics (formerly Invitae), Labcorp); PubMed 32873932 (cited by PXE International).